The following is an entry in ClinVar:

NM_020937.4(FANCM):c.3224C>A (p.Ser1075Tyr)

Gene: FANCM (FA complementation group M; plus strand). Cytogenetic location: 14q21.2.
Variant type: single nucleotide variant.
Coding change: c.3224C>A on transcript NM_020937.4 (MANE Select); coding-DNA position 3224, C replaced by A.
Protein change: p.Ser1075Tyr; replaces serine 1075 with tyrosine.
Molecular consequence: missense variant.
Genome position (GRCh38, 1-based): chr14:45,175,978, C>A. VCF-style: chr14-45175978-C-A. GRCh37 (hg19) VCF-style: chr14-45645181-C-A.
Other names: c.3146C>A, p.Ser1049Tyr (NM_001308133.2); c.3224C>A (NM_020937.2); short protein forms S1049Y, S1075Y.
Identifiers: ClinVar variation 1345615 (VCV001345615.7), dbSNP rs1888661185, ClinGen allele CA389600440.

ClinVar aggregate classification (germline): Uncertain significance. Review status: criteria provided, multiple submitters, no conflicts (2 of 4 stars). 2 submissions from 2 submitters: Uncertain significance (2). Last evaluated 2025-09-02.

Conditions:
Inborn genetic diseases. Identifiers: MedGen C0950123, MeSH D030342.
Fanconi anemia (FA). Also called: Fanconi's anemia. Identifiers: Orphanet 84, MedGen C0015625, MeSH D005199, MONDO:0019391.

Submissions (2):

Ambry Genetics
Classification: Uncertain significance for Inborn genetic diseases. Last evaluated: 2025-09-02. Review status: criteria provided, single submitter. Criteria: Ambry Variant Classification Scheme 2023. Collection method: clinical testing. Allele origin: germline.
Comment: The p.S1075Y variant (also known as c.3224C>A), located in coding exon 14 of the FANCM gene, results from a C to A substitution at nucleotide position 3224. The serine at codon 1075 is replaced by tyrosine, an amino acid with dissimilar properties. This amino acid position is conserved. In addition, this alteration is predicted to be tolerated by in silico analysis. Based on the available evidence, the clinical significance of this variant remains unclear.

Labcorp Genetics (formerly Invitae), Labcorp
Classification: Uncertain significance for Fanconi anemia. Last evaluated: 2024-07-16. Review status: criteria provided, single submitter. Criteria: Invitae Variant Classification Sherloc (09022015). Collection method: clinical testing. Allele origin: germline.
Comment: This sequence change replaces serine, which is neutral and polar, with tyrosine, which is neutral and polar, at codon 1075 of the FANCM protein (p.Ser1075Tyr). This variant is not present in population databases (gnomAD no frequency). This variant has not been reported in the literature in individuals affected with FANCM-related conditions. ClinVar contains an entry for this variant (Variation ID: 1345615). An algorithm developed to predict the effect of missense changes on protein structure and function (PolyPhen-2) suggests that this variant is likely to be tolerated. In summary, the available evidence is currently insufficient to determine the role of this variant in disease. Therefore, it has been classified as a Variant of Uncertain Significance.